The following is an entry in ClinVar:

ClinVar aggregate classification (germline): Pathogenic (1 of 4 stars; one submission).

Submission:

GeneDx
Classification: Pathogenic. Last evaluated: 2018-07-19. Review status: criteria provided, single submitter. Criteria: GeneDx Variant Classification (06012015). Collection method: clinical testing. Allele origin: germline. Affected: yes.
Comment: The c.5565_5571delGTCTCAT variant in the SON gene has been not been reported previously as a pathogenic variant nor as a benign variant, to our knowledge. The c.5565_5571delGTCTCAT variant causes a frameshift starting with codon Lysine 1855, changes this amino acid to an Asparagine residue, and creates a premature Stop codon at position 149 of the new reading frame, denoted p.Lys1855AsnfsX149. This variant is predicted to cause loss of normal protein function either through protein truncation or nonsense-mediated mRNA decay. The c.5565_5571delGTCTCAT variant is not observed in large population cohorts (Lek et al., 2016). We interpret c.5565_5571delGTCTCAT as a pathogenic variant.

NM_138927.4(SON):c.5565_5571del (p.Lys1855fs)

Gene: SON (SON DNA and RNA binding protein; plus strand). Cytogenetic location: 21q22.11.
Variant type: Deletion.
Coding change: c.5565_5571del on transcript NM_138927.4 (MANE Select); coding-DNA positions 5565 to 5571, 7 bases deleted (GTCTCAT; older notation c.5565_5571delGTCTCAT).
Protein change: p.Lys1855fs; shifts the reading frame from lysine 1855.
Molecular consequence: frameshift variant. On other transcripts: non-coding transcript variant (1), intron variant (1).
Genome position (GRCh38, 1-based): chr21:33,554,796-33,554,802, GTCTCAT deleted. VCF-style (leftmost placement, unchanged base first): chr21-33554795-AGTCTCAT-A. GRCh37 (hg19) VCF-style: chr21-34927101-AGTCTCAT-A.
Other names: c.5565_5571del, p.Lys1855fs (NM_001291411.2, NM_032195.3); c.245-2360_245-2354del (NM_001291412.3); c.5565_5571delGTCTCAT (NM_032195.2); short protein forms K1855fs.
Identifiers: ClinVar variation 817058 (VCV000817058.1), dbSNP rs1601273823, ClinGen allele CA915953129.